The following is an entry in ClinVar:

NM_013336.4(SEC61A1):c.353-6T>A

Gene: SEC61A1 (SEC61 translocon subunit alpha 1; plus strand). Cytogenetic location: 3q21.3.
Variant type: single nucleotide variant.
Coding change: c.353-6T>A on transcript NM_013336.4 (MANE Select); 6 bases into the intron before coding-DNA position 353, T replaced by A.
Molecular consequence: intron variant.
Genome position (GRCh38, 1-based): chr3:128,060,096, T>A. VCF-style: chr3-128060096-T-A. GRCh37 (hg19) VCF-style: chr3-127778939-T-A.
Other names: c.371-6T>A (NM_001400328.1); c.194-6T>A (NM_001400329.1).
Identifiers: ClinVar variation 2028857 (VCV002028857.4), dbSNP rs774374024, ClinGen allele CA2598385.
Genomic context (GRCh38, chr3:128,060,096, plus strand): 5'-TCTTAATTGTTTCTTTTGTTCTGTGTAGTGACCCACTTGGAAAACACTTCTTTCTTTCAA[T>A]TCTAGTATTTGGCATGATCATTACTATCGGCCAGTCTATCGTGTATGTGATGACCGGGAT-3'

ClinVar aggregate classification (germline): Uncertain significance (1 of 4 stars; one submission).

Allele frequency attached by ClinVar (database versions not stated): TOPMed below 0.00001; ExAC 0.00001; gnomAD 0.00001.
gnomAD v4.1: 1 of 1,604,056 alleles (0.000062%); highest among the groups gnomAD compares: East Asian, 0.0022%; no homozygotes.

Submission:

Labcorp Genetics (formerly Invitae), Labcorp
Classification: Uncertain significance. Last evaluated: 2022-09-03. Review status: criteria provided, single submitter. Criteria: Invitae Variant Classification Sherloc (09022015). Collection method: clinical testing. Allele origin: germline.
Comment: In summary, the available evidence is currently insufficient to determine the role of this variant in disease. Therefore, it has been classified as a Variant of Uncertain Significance. Algorithms developed to predict the effect of sequence changes on RNA splicing suggest that this variant may create or strengthen a splice site. This variant has not been reported in the literature in individuals affected with SEC61A1-related conditions. This variant is present in population databases (rs774374024, gnomAD 0.006%). This sequence change falls in intron 5 of the SEC61A1 gene. It does not directly change the encoded amino acid sequence of the SEC61A1 protein.